The following is an entry in ClinVar:

NM_018941.4(CLN8):c.77C>G (p.Thr26Arg)

Gene: CLN8 (CLN8 transmembrane ER and ERGIC protein; plus strand). Cytogenetic location: 8p23.3.
Variant type: single nucleotide variant.
Coding change: c.77C>G on transcript NM_018941.4 (MANE Select); coding-DNA position 77, C replaced by G.
Protein change: p.Thr26Arg; replaces threonine 26 with arginine.
Molecular consequence: missense variant.
Genome position (GRCh38, 1-based): chr8:1,771,131, C>G. VCF-style: chr8-1771131-C-G. GRCh37 (hg19) VCF-style: chr8-1719297-C-G.
Other names: short protein forms T26R.
Identifiers: ClinVar variation 1346763 (VCV001346763.5), dbSNP rs755846977, ClinGen allele CA369952827.

ClinVar aggregate classification (germline): Uncertain significance (1 of 4 stars; one submission).

Conditions:
Neuronal ceroid lipofuscinosis. Also called: Neuronal Ceroid Lipofuscinoses. Identifiers: Orphanet 216, Orphanet 79263, MedGen C0027877, MONDO:0016295. Disease mechanism: loss of function.

gnomAD v4.1: 17 of 1,613,922 alleles (0.0011%); highest among the groups gnomAD compares: South Asian, 0.0044%; no homozygotes.

Submission:

Labcorp Genetics (formerly Invitae), Labcorp
Classification: Uncertain significance for Neuronal ceroid lipofuscinosis. Last evaluated: 2022-07-13. Review status: criteria provided, single submitter. Criteria: Invitae Variant Classification Sherloc (09022015). Collection method: clinical testing. Allele origin: germline.
Comment: This sequence change replaces threonine, which is neutral and polar, with arginine, which is basic and polar, at codon 26 of the CLN8 protein (p.Thr26Arg). This variant is present in population databases (no rsID available, gnomAD 0.004%). This variant has not been reported in the literature in individuals affected with CLN8-related conditions. ClinVar contains an entry for this variant (Variation ID: 1346763). Advanced modeling of protein sequence and biophysical properties (such as structural, functional, and spatial information, amino acid conservation, physicochemical variation, residue mobility, and thermodynamic stability) performed at Invitae indicates that this missense variant is not expected to disrupt CLN8 protein function. Algorithms developed to predict the effect of sequence changes on RNA splicing suggest that this variant may create or strengthen a splice site. In summary, the available evidence is currently insufficient to determine the role of this variant in disease. Therefore, it has been classified as a Variant of Uncertain Significance.